The following is an entry in ClinVar:

NM_032603.5(LOXL3):c.1051G>A (p.Gly351Arg)

Gene: LOXL3 (lysyl oxidase like 3; minus strand). Cytogenetic location: 2p13.1.
Variant type: single nucleotide variant.
Coding change: c.1051G>A on transcript NM_032603.5 (MANE Select); coding-DNA position 1051, G replaced by A.
Protein change: p.Gly351Arg; replaces glycine 351 with arginine.
Molecular consequence: missense variant. On other transcripts: 5 prime UTR variant (1).
Genome position (GRCh38, 1-based): chr2:74,536,333, C>T on the plus strand (G>A on the coding strand, the complement: LOXL3 is on the minus strand). VCF-style: chr2-74536333-C-T. GRCh37 (hg19) VCF-style: chr2-74763460-C-T.
Other names: c.616G>A, p.Gly206Arg (NM_001289164.3); c.-33G>A (NM_001289165.2); short protein forms G206R, G351R.
Identifiers: ClinVar variation 1441204 (VCV001441204.4), dbSNP rs756167221, ClinGen allele CA1728998.
Genomic context (GRCh38, chr2:74,536,333, plus strand): 5'-ACCTCCATGCCACCTCACCCTGCCCCATGCGAGCGCCACTCAGAGCTTCTCGAGCACTCC[C>T]GAAGCCCAGCTCCCGACACACCACGCTGGCTGCATGCAGGTCCCACTTGCGGTCACAGAC-3'
Protein context (NP_115992.1, residues 341-361): ASVVCRELGF[Gly351Arg]SAREALSGAR

ClinVar aggregate classification (germline): Uncertain significance. Review status: criteria provided, multiple submitters, no conflicts (2 of 4 stars). 2 submissions from 2 submitters: Uncertain significance (2). Last evaluated 2024-06-20.

Conditions:
LOXL3-related Stickler syndrome, autosomal recessive.

Allele frequency attached by ClinVar (database versions not stated): gnomAD exomes 0.00001 and 0.00004; gnomAD 0.00003 and 0.00004; ExAC 0.00004; TOPMed 0.00006.
gnomAD v4.1: 24 of 1,613,942 alleles (0.0015%); highest among the groups gnomAD compares: Admixed American, 0.022%; no homozygotes.

Submissions (2):

3billion
Classification: Uncertain significance for LOXL3-related Stickler syndrome, autosomal recessive. Last evaluated: 2024-06-20. Review status: criteria provided, single submitter. Criteria: ACMG Guidelines, 2015. Collection method: clinical testing. Allele origin: germline. Affected: yes.
Comment: The variant is observed at an extremely low frequency in the gnomAD v4.0.0 dataset (total allele frequency: 0.001%). Predicted Consequence/Location: Missense variant In silico tool predictions suggest damaging effect of the variant on gene or gene product [3Cnet: 0.77 (>=0.6, sensitivity 0.72 and precision 0.9)]. The same nucleotide change resulting in the same amino acid change has been previously reported to be associated with LOXL3-related disorder (PMID: 36917121). However, the evidence of pathogenicity is insufficient at this time. Therefore, this variant is classified as VUS according to the recommendation of ACMG/AMP guideline.

Labcorp Genetics (formerly Invitae), Labcorp
Classification: Uncertain significance. Last evaluated: 2022-06-16. Review status: criteria provided, single submitter. Criteria: Invitae Variant Classification Sherloc (09022015). Collection method: clinical testing. Allele origin: germline.
Comment: This sequence change replaces glycine, which is neutral and non-polar, with arginine, which is basic and polar, at codon 351 of the LOXL3 protein (p.Gly351Arg). This variant is present in population databases (rs756167221, gnomAD 0.02%). This variant has not been reported in the literature in individuals affected with LOXL3-related conditions. Algorithms developed to predict the effect of missense changes on protein structure and function (SIFT, PolyPhen-2, Align-GVGD) all suggest that this variant is likely to be disruptive. In summary, the available evidence is currently insufficient to determine the role of this variant in disease. Therefore, it has been classified as a Variant of Uncertain Significance.

Literature cited by the submitters: PubMed 36917121 (cited by 3billion).